The following is an entry in ClinVar:

NM_000540.3(RYR1):c.7368C>G (p.Ile2456Met)

Gene: RYR1 (ryanodine receptor 1; plus strand). Cytogenetic location: 19q13.2.
Variant type: single nucleotide variant.
Coding change: c.7368C>G on transcript NM_000540.3 (MANE Select); coding-DNA position 7368, C replaced by G.
Protein change: p.Ile2456Met; replaces isoleucine 2456 with methionine.
Molecular consequence: missense variant.
Genome position (GRCh38, 1-based): chr19:38,500,650, C>G. VCF-style: chr19-38500650-C-G. GRCh37 (hg19) VCF-style: chr19-38991290-C-G.
Other names: c.7368C>G, p.Ile2456Met (NM_001042723.2); short protein forms I2456M.
Identifiers: ClinVar variation 2085547 (VCV002085547.4), dbSNP rs371851375, ClinGen allele CA405670016.
Genomic context (GRCh38, chr19:38,500,650, plus strand): 5'-TCCCTCTACTCCCCAGCTAATCCAAGCCGGCAAGGGTGAGGCCCTGCGGATCCGCGCCAT[C>G]CTCCGCTCCCTTGTGCCCTTGGAGGACCTTGTGGGCATCATCAGCCTCCCACTGCAGATT-3'
Protein context (NP_000531.2, residues 2446-2466): GKGEALRIRA[Ile2456Met]LRSLVPLEDL

ClinVar aggregate classification (germline): Uncertain significance (1 of 4 stars; one submission).

Conditions:
RYR1-related disorder. Also called: RYR1-related condition; RYR1-related disorders. Identifiers: MedGen CN239331.

Submission:

Labcorp Genetics (formerly Invitae), Labcorp
Classification: Uncertain significance for RYR1-related disorder. Last evaluated: 2022-07-06. Review status: criteria provided, single submitter. Criteria: Invitae Variant Classification Sherloc (09022015). Collection method: clinical testing. Allele origin: germline.
Comment: This sequence change replaces isoleucine, which is neutral and non-polar, with methionine, which is neutral and non-polar, at codon 2456 of the RYR1 protein (p.Ile2456Met). This variant is not present in population databases (gnomAD no frequency). This variant has not been reported in the literature in individuals affected with RYR1-related conditions. Algorithms developed to predict the effect of missense changes on protein structure and function are either unavailable or do not agree on the potential impact of this missense change (SIFT: "Deleterious"; PolyPhen-2: "Benign"; Align-GVGD: "Class C0"). In summary, the available evidence is currently insufficient to determine the role of this variant in disease. Therefore, it has been classified as a Variant of Uncertain Significance.